The following is an entry in ClinVar:

ClinVar aggregate classification (germline): Conflicting classifications of pathogenicity. Review status: criteria provided, conflicting classifications (1 of 4 stars). 10 submissions from 10 submitters: Uncertain significance (7); Likely benign (1). 2 of the submissions do not count toward it. Last evaluated 2026-08-31.

Conditions:
NTRK1-related disorder. Also called: NTRK1-related condition.
Charcot-Marie-Tooth disease. Also called: Charcot-Marie-Tooth Hereditary Neuropathy; Charcot-Marie-Tooth Neuropathy. Identifiers: Orphanet 166, MedGen C0007959, MONDO:0015626.
Hereditary insensitivity to pain with anhidrosis (CIPA). Also called: NTRK1 Congenital Insensitivity to Pain with Anhidrosis; INSENSITIVITY TO PAIN, CONGENITAL, WITH ANHIDROSIS; NEUROPATHY, CONGENITAL SENSORY, WITH ANHIDROSIS; hereditary sensory and autonomic neuropathy type 4; HSAN Type IV; FAMILIAL DYSAUTONOMIA, TYPE II. Identifiers: Orphanet 642, MedGen C0020074, MONDO:0009746, OMIM 256800.

Allele frequency attached by ClinVar (database versions not stated): TOPMed 0.00034; gnomAD 0.00038 and 0.00040; gnomAD exomes 0.00045; ExAC 0.00052; ESP Exome Variant Server 0.00100.
gnomAD v4.1: 1,113 of 1,613,264 alleles (0.069%); highest among the groups gnomAD compares: Non-Finnish European, 0.089%; 1 homozygote.

Submissions (10):

PreventionGenetics, part of Exact Sciences
Classification: Uncertain significance for NTRK1-related condition. Last evaluated: 2026-08-31. Review status: criteria provided, single submitter. Criteria: ACMG Guidelines, 2015. Collection method: clinical testing. Allele origin: germline.
Comment: The NTRK1 c.1474G>A variant is predicted to result in the amino acid substitution p.Glu492Lys. This variant has been reported in the homozygous state in an individual with a congenital sensory neuropathy (Davidson et al. 2012. PubMed ID: 22302274), in the compound heterozygous state in an individual with an atrioventricular septal heart defect (Priest et al. 2016. PubMed ID: 27058611), and in an individual with presumed ocular histoplasmosis syndrome (Li et al. 2020. PubMed ID: 32707200). The NTRK1 c.1474G>A variant, along with a variant in the MUC1 gene, has also been detected in a family in which bipolar disorder and autosomal dominant tubulo-interstitial kidney disease co-segregated (Nakajima et al. 2020. PubMed ID: 33235206). Experimental studies of this variant are inconclusive (Nakajima et al. 2020. PubMed ID: 33235206). This variant is reported in 0.081% of alleles in individuals of European (non-Finnish) descent in gnomAD. At this time, the clinical significance of this variant is uncertain due to the absence of conclusive functional and genetic evidence.

Labcorp Genetics (formerly Invitae), Labcorp
Classification: Likely benign for Hereditary insensitivity to pain with anhidrosis. Last evaluated: 2026-01-28. Review status: criteria provided, single submitter. Criteria: Invitae Variant Classification Sherloc (09022015). Collection method: clinical testing. Allele origin: germline.

CeGaT Center for Human Genetics Tuebingen
Classification: Uncertain significance. Last evaluated: 2026-01-01. Review status: criteria provided, single submitter. Criteria: CeGaT Center For Human Genetics Tuebingen Variant Classification Criteria Version 2. Collection method: clinical testing. Allele origin: germline. Affected: yes. Observed: 3 variant alleles.
Comment: NTRK1: PM2, PP3

GeneDx
Classification: Uncertain significance. Last evaluated: 2025-01-15. Review status: criteria provided, single submitter. Criteria: GeneDx Variant Classification Process June 2021. Collection method: clinical testing. Allele origin: germline. Affected: yes.
Comment: In silico analysis supports that this missense variant has a deleterious effect on protein structure/function; This variant is associated with the following publications: (PMID: 27058611, 22302274, 32707200, 34426522, 33235206, 35101157)

ARUP Laboratories, Molecular Genetics and Genomics, ARUP Laboratories
Classification: Uncertain significance for Hereditary insensitivity to pain with anhidrosis. Last evaluated: 2024-04-23. Review status: criteria provided, single submitter. Criteria: ARUP Molecular Germline Variant Investigation Process 2024. Collection method: clinical testing. Allele origin: germline.
Comment: The NTRK1 c.1456G>A; p.Glu486Lys variant (rs144901788), also known as p.Glu492Lys in transcript NM_002529.3, is reported in the literature in a homozygous individual affected with hereditary sensory and autonomic neuropathy (Davidson 2012). This variant was also found in heterozygous individuals with uveitis (Li 2021) or bipolar disorder (Nakajima 2020), and it was found trans to a second NTRK1 missense variant in an individual with atrioventricular septal heart defect (Priest 2016). This variant is found in the non-Finnish European population with an overall allele frequency of 0.08% (105/128976 alleles) in the Genome Aggregation Database (v2.1.1). Computational analyses predict that this variant is deleterious (REVEL: 0.757). Neural stem cells expressing the variant protein have reduced neurite outgrowth, and mice expressing the variant protein in brain exhibit depression-like behavior (Nakajima 2020); however, the relevance of these assays to neuropathy is unclear. Due to limited information, the clinical significance of the p.Glu486Lys variant is uncertain at this time. References: Davidson et al. Frequency of mutations in the genes associated with hereditary sensory and autonomic neuropathy in a UK cohort. J Neurol. 2012 Aug;259(8):1673-85. PMID: 22302274. Li et al. Whole-Exome Sequencing of Patients With Posterior Segment Uveitis. Am J Ophthalmol. 2021 Jan;221:246-259. PMID: 32707200. Nakajima et al. Ntrk1 mutation co-segregating with bipolar disorder and inherited kidney disease in a multiplex family causes defects in neuronal growth and depression-like behavior in mice. Transl Psychiatry. 2020 Nov 24;10(1):407. PMID: 33235206. Priest et al. De Novo and Rare Variants at Multiple Loci Support the Oligogenic Origins of Atrioventricular Septal Heart Defects. PLoS Genet. 2016 Apr 8;12(4):e1005963. PMID: 27058611.

Women's Health and Genetics/Laboratory Corporation of America, LabCorp
Classification: Uncertain significance. Last evaluated: 2023-06-02. Review status: criteria provided, single submitter. Criteria: LabCorp Variant Classification Summary - May 2015. Collection method: clinical testing. Allele origin: germline.
Comment: Variant summary: NTRK1 c.1456G>A (p.Glu486Lys) results in a conservative amino acid change in the encoded protein sequence. Three of five in-silico tools predict a damaging effect of the variant on protein function. The variant allele was found at a frequency of 0.00045 in 250934 control chromosomes (gnomAD). This frequency is not significantly higher than estimated for a pathogenic variant in NTRK1 causing Hereditary Insensitivity To Pain With Anhidrosis (0.00045 vs 0.0011), allowing no conclusion about variant significance. c.1456G>A has been reported in the literature in individuals affected with sensory and autonomic neuropathy, presumed ocular histoplasmosis syndrome, as well as in a large pedigree, in which bipolar disorder co-segregated with autosomal dominant tubulointerstitial kidney disease (Davidson_2012, Li_2020, Nakajima_2020). These reports do not provide unequivocal conclusions about association of the variant with Hereditary Insensitivity To Pain With Anhidrosis. At least one functional study showed E492K NSCs (neural stem cells) had reduced neurite outgrowth and a conditional knock-in mouse line showed depression-like behavior in the tail suspension test following challenge by physostigmine, a cholinesterase inhibitor (Nakajima_2020). The following publications have been ascertained in the context of this evaluation (PMID: 22302274, 32707200, 33235206). Five ClinVar submitters (evaluation after 2014) cite this variant as uncertain significance (n=4) and likely benign (n=1). Based on the evidence outlined above, the variant was classified as uncertain significance.

Mayo Clinic Laboratories, Mayo Clinic
Classification: Uncertain significance. Last evaluated: 2019-04-01. Review status: criteria provided, single submitter. Criteria: ACMG Guidelines, 2015. Collection method: clinical testing. Allele origin: germline. Observed: 1 variant allele.

Illumina Laboratory Services, Illumina
Classification: Uncertain significance for Hereditary insensitivity to pain with anhidrosis. Last evaluated: 2017-10-25. Review status: criteria provided, single submitter. Criteria: ICSL Variant Classification Criteria 13 December 2019. Collection method: clinical testing. Allele origin: germline.
Comment: This variant was observed as part of a predisposition screen in an ostensibly healthy population. A literature search was performed for the gene, cDNA change, and amino acid change (where applicable). Publications were found based on this search. However, the evidence from the literature, in combination with allele frequency data from public databases where available, was not sufficient to rule this variant in or out of causing disease. Therefore, this variant is classified as a variant of unknown significance.

Natera, Inc.
Classification: Uncertain significance for Hereditary insensitivity to pain with anhidrosis. Last evaluated: 2020-09-16. Review status: no assertion criteria provided. Collection method: clinical testing. Allele origin: germline. Not counted in ClinVar's aggregate classification.

Inherited Neuropathy Consortium
Classification: Uncertain significance for Charcot-Marie-Tooth disease. Review status: no assertion criteria provided. Collection method: literature only. Allele origin: germline. Affected: yes. Not counted in ClinVar's aggregate classification.

Literature cited by the submitters: PubMed 32707200 (cited by Women's Health and Genetics/Laboratory Corporation of America, LabCorp); PubMed 22302274 (cited by 3 submitters); PubMed 33235206 (cited by Women's Health and Genetics/Laboratory Corporation of America, LabCorp); PubMed 24154508 (cited by Illumina Laboratory Services, Illumina); PubMed 27698470 (cited by Illumina Laboratory Services, Illumina); PubMed 27058611 (cited by Illumina Laboratory Services, Illumina).

NM_002529.4(NTRK1):c.1474G>A (p.Glu492Lys)

Gene: NTRK1 (neurotrophic receptor tyrosine kinase 1; plus strand). Cytogenetic location: 1q23.1.
Variant type: single nucleotide variant.
Coding change: c.1474G>A on transcript NM_002529.4 (MANE Select); coding-DNA position 1474, G replaced by A.
Protein change: p.Glu492Lys; replaces glutamic acid 492 with lysine.
Molecular consequence: missense variant.
Genome position (GRCh38, 1-based): chr1:156,875,639, G>A. VCF-style: chr1-156875639-G-A. GRCh37 (hg19) VCF-style: chr1-156845431-G-A.
Other names: c.1366G>A, p.Glu456Lys (NM_001007792.1); c.1456G>A, p.Glu486Lys (NM_001012331.2); short protein forms E456K, E486K, E492K.
Identifiers: ClinVar variation 418887 (VCV000418887.50), dbSNP rs144901788, ClinGen allele CA1169334.